The following is an entry in ClinVar:

NM_000383.4(AIRE):c.808G>A (p.Glu270Lys)

Gene: AIRE (autoimmune regulator; plus strand). Cytogenetic location: 21q22.3.
Variant type: single nucleotide variant.
Coding change: c.808G>A on transcript NM_000383.4 (MANE Select); coding-DNA position 808, G replaced by A.
Protein change: p.Glu270Lys; replaces glutamic acid 270 with lysine.
Molecular consequence: missense variant.
Genome position (GRCh38, 1-based): chr21:44,289,997, G>A. VCF-style: chr21-44289997-G-A. GRCh37 (hg19) VCF-style: chr21-45709880-G-A.
Other names: c.808G>A (NM_000383.3); short protein forms E270K.
Identifiers: ClinVar variation 3693203 (VCV003693203.3).
Genomic context (GRCh38, chr21:44,289,997, plus strand): 5'-CACCCTCGCTGCTGAGGCTGCCCCCATTGCTGACGCCCCTCTTCCTTGCAGGGTGGAGGT[G>A]AGGCTAGGCTGGGCCAGCAGGGCAGCGTTCCCGCCCCTCTGGCCCTCCCCAGTGACCCCC-3'
Protein context (NP_000374.1, residues 260-280): GAQGAAPGGG[Glu270Lys]ARLGQQGSVP

ClinVar aggregate classification (germline): Uncertain significance. Review status: criteria provided, single submitter (1 of 4 stars). 2 submissions from 2 submitters: Uncertain significance (1). 1 of the submissions does not count toward it. Last evaluated 2025-01-25.

Conditions:
Polyglandular autoimmune syndrome, type 1 (APS1). Also called: AUTOIMMUNE POLYENDOCRINE SYNDROME, TYPE I, WITH OR WITHOUT REVERSIBLE METAPHYSEAL DYSPLASIA; APS I; HYPOADRENOCORTICISM WITH HYPOPARATHYROIDISM AND SUPERFICIAL MONILIASIS; PGA I; Autoimmune polyendocrine syndrome type 1; Autoimmune polyendocrinopathy syndrome, type I. Identifiers: Orphanet 3453, MedGen C0085859, MONDO:0009411, OMIM 240300.

Submissions (2):

Labcorp Genetics (formerly Invitae), Labcorp
Classification: Uncertain significance for Polyglandular autoimmune syndrome, type 1. Last evaluated: 2025-01-25. Review status: criteria provided, single submitter. Criteria: Invitae Variant Classification Sherloc (09022015). Collection method: clinical testing. Allele origin: germline.
Comment: This sequence change replaces glutamic acid, which is acidic and polar, with lysine, which is basic and polar, at codon 270 of the AIRE protein (p.Glu270Lys). This variant is not present in population databases (gnomAD no frequency). This variant has not been reported in the literature in individuals affected with AIRE-related conditions. Invitae Evidence Modeling of protein sequence and biophysical properties (such as structural, functional, and spatial information, amino acid conservation, physicochemical variation, residue mobility, and thermodynamic stability) indicates that this missense variant is not expected to disrupt AIRE protein function with a negative predictive value of 95%. Algorithms developed to predict the effect of sequence changes on RNA splicing suggest that this variant may disrupt the consensus splice site. In summary, the available evidence is currently insufficient to determine the role of this variant in disease. Therefore, it has been classified as a Variant of Uncertain Significance.

Natera, Inc.
Classification: Uncertain significance for Polyglandular autoimmune syndrome type 1. Last evaluated: 2025-05-08. Review status: no assertion criteria provided. Collection method: clinical testing. Allele origin: germline. Not counted in ClinVar's aggregate classification.